The following is an entry in ClinVar:

NC_000005.9:g.(?_178566871)_(178567056_?)del

Gene: ADAMTS2 (ADAM metallopeptidase with thrombospondin type 1 motif 2; minus strand). Cytogenetic location: 5q35.3.
Variant type: Deletion.
Identifiers: ClinVar variation 3246370 (VCV003246370.1).

ClinVar aggregate classification (germline): Pathogenic (1 of 4 stars; one submission).

Conditions:
Ehlers-Danlos syndrome, dermatosparaxis type. Also called: Ehlers-Danlos syndrome, type VII, autosomal recessive; EDS VIIC; Dermatosparaxis. Identifiers: Orphanet 1901, MedGen C2700425, MONDO:0009161, OMIM 225410.

Submission:

Labcorp Genetics (formerly Invitae), Labcorp
Classification: Pathogenic for Ehlers-Danlos syndrome, dermatosparaxis type. Last evaluated: 2023-08-19. Review status: criteria provided, single submitter. Criteria: Invitae Variant Classification Sherloc (09022015). Collection method: clinical testing. Allele origin: unknown.
Comment: This variant is a gross deletion of the genomic region encompassing exon(s) 11 of the ADAMTS2 gene. This deletion is out-of-frame, and is expected to create a premature termination codon and result in an absent or disrupted protein product. Loss-of-function variants in ADAMTS2 are known to be pathogenic (PMID: 10417273). This variant has not been reported in the literature in individuals affected with ADAMTS2-related conditions. For these reasons, this variant has been classified as Pathogenic.

Literature cited by the submitters: PubMed 10417273.